The following is an entry in ClinVar:

NM_020843.4(SCAPER):c.3422G>A (p.Gly1141Glu)

Gene: SCAPER (S-phase cyclin A associated protein in the ER; minus strand). Cytogenetic location: 15q24.3.
Variant type: single nucleotide variant.
Coding change: c.3422G>A on transcript NM_020843.4 (MANE Select); coding-DNA position 3422, G replaced by A.
Protein change: p.Gly1141Glu; replaces glycine 1141 with glutamic acid.
Molecular consequence: missense variant. On other transcripts: non-coding transcript variant (1).
Genome position (GRCh38, 1-based): chr15:76,404,569, C>T on the plus strand (G>A on the coding strand, the complement: SCAPER is on the minus strand). VCF-style: chr15-76404569-C-T. GRCh37 (hg19) VCF-style: chr15-76696910-C-T.
Other names: c.2684G>A, p.Gly895Glu (NM_001145923.2); c.3440G>A, p.Gly1147Glu (NM_001353009.2); c.3020G>A, p.Gly1007Glu (NM_001353010.2, NM_001353012.2); c.3038G>A, p.Gly1013Glu (NM_001353011.2); short protein forms G1007E, G1141E, G895E, G1013E, G1147E.
Identifiers: ClinVar variation 4985582 (VCV004985582.1).

ClinVar aggregate classification (germline): Uncertain significance (1 of 4 stars; one submission).

Conditions:
SCAPER-related disorder. Also called: SCAPER-related condition.

gnomAD v4.1: 4 of 1,613,376 alleles (0.00025%); highest among the groups gnomAD compares: Admixed American, 0.0033%; no homozygotes.

Submission:

PreventionGenetics, part of Exact Sciences
Classification: Uncertain significance for SCAPER-related condition. Last evaluated: 2024-12-14. Review status: criteria provided, single submitter. Criteria: ACMG Guidelines, 2015. Collection method: clinical testing. Allele origin: germline.
Comment: The SCAPER c.3440G>A variant is predicted to result in the amino acid substitution p.Gly1147Glu. To our knowledge, this variant has not been reported in the literature or in a large population database (gnomAD), indicating this variant is rare. At this time, the clinical significance of this variant is uncertain due to the absence of conclusive functional and genetic evidence.